The following is an entry in ClinVar:

ClinVar aggregate classification (germline): Likely benign. Review status: criteria provided, multiple submitters, no conflicts (2 of 4 stars). 2 submissions from 2 submitters: Likely benign (2). Last evaluated 2022-06-13.

Conditions:
Muscular dystrophy-dystroglycanopathy (congenital with brain and eye anomalies), type a, 11 (MDDGA11). Also called: Congenital muscular dystrophy-dystroglycanopathy with brain and eye anomalies, type A11; WALKER-WARBURG SYNDROME OR MUSCLE-EYE-BRAIN DISEASE, B3GALNT2-RELATED; Muscular dystrophy-dystroglycanopathy (congenital with brain and eye anomalies, type A, 11. Identifiers: Orphanet 588, Orphanet 899, MedGen C3554638, MONDO:0014071, OMIM 615181.

Allele frequency attached by ClinVar (database versions not stated): TOPMed 0.00004; gnomAD 0.00002.
gnomAD v4.1: 4 of 1,612,146 alleles (0.00025%); highest among the groups gnomAD compares: African/African-American, 0.0053%; no homozygotes.

Submissions (2):

Labcorp Genetics (formerly Invitae), Labcorp
Classification: Likely benign for Muscular dystrophy-dystroglycanopathy (congenital with brain and eye anomalies), type a, 11. Last evaluated: 2022-06-13. Review status: criteria provided, single submitter. Criteria: Invitae Variant Classification Sherloc (09022015). Collection method: clinical testing. Allele origin: germline.

GeneDx
Classification: Likely benign. Last evaluated: 2016-11-01. Review status: criteria provided, single submitter. Criteria: GeneDx Variant Classification (06012015). Collection method: clinical testing. Allele origin: germline. Affected: yes.
Comment: This variant is considered likely benign or benign based on one or more of the following criteria: it is a conservative change, it occurs at a poorly conserved position in the protein, it is predicted to be benign by multiple in silico algorithms, and/or has population frequency not consistent with disease.

NM_152490.5(B3GALNT2):c.249A>T (p.Thr83=)

Gene: B3GALNT2 (beta-1,3-N-acetylgalactosaminyltransferase 2; minus strand). Cytogenetic location: 1q42.3.
Variant type: single nucleotide variant.
Coding change: c.249A>T on transcript NM_152490.5 (MANE Select); coding-DNA position 249, A replaced by T.
Protein change: p.Thr83=; no amino-acid change (threonine 83 retained).
Molecular consequence: synonymous variant.
Genome position (GRCh38, 1-based): chr1:235,494,692, T>A on the plus strand (A>T on the coding strand, the complement: B3GALNT2 is on the minus strand). VCF-style: chr1-235494692-T-A. GRCh37 (hg19) VCF-style: chr1-235658002-T-A.
Other names: c.372A>T, p.Thr124= (NM_001277155.3).
Identifiers: ClinVar variation 390168 (VCV000390168.7), dbSNP rs770930732, ClinGen allele CA16603603.
Genomic context (GRCh38, chr1:235,494,692, plus strand): 5'-GAACTCTTATTTCAATAAACCAGGCAAGGCAACAACTCAGAAAACCTACCGTTGACTTAA[T>A]GTGGGATGCTGTAGCAAATGTCTCATCCAGGTGCTTCTTATCACGTTTCGAAGTTCATGG-3'
Protein context (NP_689703.1, residues 73-93): TWMRHLLQHP[Thr83=]LSQRVLVKFI